The following is an entry in ClinVar:

Single allele

Genes: TRMT2A (tRNA methyltransferase 2A; minus strand), TSSK2 (testis specific serine kinase 2; plus strand), TXNRD2 (thioredoxin reductase 2; minus strand), UFD1 (ubiquitin recognition factor in ER associated degradation 1; minus strand), USP41 (ubiquitin specific peptidase 41; minus strand) and 42 more. Cytogenetic location: 22q11.21.
Variant type: Deletion.
Identifiers: ClinVar variation 997813 (VCV000997813.1).

ClinVar aggregate classification (germline): Pathogenic (0 of 4 stars; one submission).

Conditions:
Intellectual disability. Also called: Intellectual functioning disability; intellectual disabilities; Intellectual developmental disorder. Identifiers: MedGen C3714756, MeSH D008607, MONDO:0001071, HP:0001249.

Submission:

Institute of Human Genetics, University of Leipzig Medical Center
Classification: Pathogenic for Intellectual disability. Last evaluated: 2021-02-25. Review status: no assertion criteria provided. Collection method: clinical testing. Allele origin: de novo. Inheritance: Autosomal dominant inheritance. Affected: yes. Observed: 1 variant allele, 1 heterozygote.
Comment: Inheritance was de novo (heterozygous). The variant was reviewed according to current ClinGen recommendations and classified as Pathogenic (criteria: 1A(0), 2A(1), 3C(0.9), 4B(0.15), 5A(0.15), Total score=2.2).